The following is an entry in ClinVar:

NM_020778.5(ALPK3):c.29G>T (p.Gly10Val)

Gene: ALPK3 (alpha kinase 3; plus strand). Cytogenetic location: 15q25.3.
Variant type: single nucleotide variant.
Coding change: c.29G>T on transcript NM_020778.5 (MANE Select); coding-DNA position 29, G replaced by T.
Protein change: p.Gly10Val; replaces glycine 10 with valine.
Molecular consequence: missense variant.
Genome position (GRCh38, 1-based): chr15:84,817,481, G>T. VCF-style: chr15-84817481-G-T. GRCh37 (hg19) VCF-style: chr15-85360712-G-T.
Other names: short protein forms G10V.
Identifiers: ClinVar variation 1990695 (VCV001990695.4), dbSNP rs2505689140, ClinGen allele CA393369320.

ClinVar aggregate classification (germline): Uncertain significance (1 of 4 stars; one submission).

Submission:

Labcorp Genetics (formerly Invitae), Labcorp
Classification: Uncertain significance. Last evaluated: 2022-04-08. Review status: criteria provided, single submitter. Criteria: Invitae Variant Classification Sherloc (09022015). Collection method: clinical testing. Allele origin: germline.
Comment: In summary, the available evidence is currently insufficient to determine the role of this variant in disease. Therefore, it has been classified as a Variant of Uncertain Significance. Algorithms developed to predict the effect of missense changes on protein structure and function output the following: SIFT: "Deleterious"; PolyPhen-2: "Benign"; Align-GVGD: "Class C0". The valine amino acid residue is found in multiple mammalian species, which suggests that this missense change does not adversely affect protein function. This variant has not been reported in the literature in individuals affected with ALPK3-related conditions. This variant is not present in population databases (gnomAD no frequency). This sequence change replaces glycine, which is neutral and non-polar, with valine, which is neutral and non-polar, at codon 212 of the ALPK3 protein (p.Gly212Val).